The following continues an entry in ClinVar:

NM_000059.4(BRCA2):c.8168A>G (p.Asp2723Gly)

Gene: BRCA2. ClinVar aggregate classification (germline): Pathogenic. Pathogenic (1).

Submissions 8 to 17 of 21:

Color Diagnostics, LLC DBA Color Health
Classification: Pathogenic for Hereditary cancer-predisposing syndrome. Last evaluated: 2024-10-21. Review status: criteria provided, single submitter. Criteria: ACMG Guidelines, 2015. Collection method: clinical testing. Allele origin: germline. Not counted in ClinVar's aggregate classification.
Comment: This missense variant replaces aspartic acid with glycine at codon 2723 in the DNA binding domain of the BRCA2 protein. Computational prediction suggests that this variant may have deleterious impact on protein structure and function. Functional studies have shown that this variant impairs BRCA2 functions in homology-directed DNA repair assays (PMID: 18451181, 20513136, 29394989, 33609447) and the complement BRCA2-deficient mouse cells (PMID: 25146914). Splicing predictors suggest that this variant causes out-of-frame splicing, and RNA studies have reported an incomplete and out-of-frame splicing defects (PMID: 20215541, 20513136, 21673748, 28339459). This variant has been reported in individuals affected with breast cancer (PMID: 17924331, 20513136, 24052750, 25452441, 29088781, 29335924, 34906479; Color internal data), and a multifactorial analysis reported a likelihood ratio for pathogenicity based on personal and family history of of 6.632 from log(LR)=0.821656644 for 5 carriers (PMID: 31853058). This variant has not been identified in the general population by the Genome Aggregation Database (gnomAD). A multifactorial likelihood analysis using personal and family health history and computational prediction has determined this variant to be deleterious (PMID: 17924331). Furthermore, different missense variants occurring at the same position, p.Asp2723His and p.Asp2723Val, are known to be disease-causing (ClinVar variation ID: 52515, 140975), indicating that aspartic acid at this position is important for BRCA2 function. Based on the available evidence, this variant is classified as Pathogenic.

Quest Diagnostics Nichols Institute San Juan Capistrano
Classification: Pathogenic. Last evaluated: 2024-10-01. Review status: criteria provided, single submitter. Criteria: Quest Diagnostics criteria. Collection method: clinical testing. Allele origin: unknown. Not counted in ClinVar's aggregate classification.
Comment: The BRCA2 c.8168A>G (p.Asp2723Gly) variant has been reported in the published literature in an individual with pancreatic cancer and breast cancer (PMID: 31612916 (2019)) and in individuals with breast and or ovarian cancer (PMID: 34906479 (2022), 28339459 (2017), 18451181 (2008)). Experimental studies showed that this variant causes aberrant splicing resulting in a transcript with 164-bp deletion in exon 18 (PMID: 20215541 (2010), 21673748 (2011), 27886673 (2016), 29394989 (2018)) and the variant allele also transcribed as full-length transcript encoding a missense protein with reduced function (PMID: 20513136 (2010)). In addition, functional studies demonstrated this variant disrupts DSS1 binding, nuclear localization of BRCA2 and affects homology-directed DNA repair function (PMID: 29394989 (2018), 33978741 (2021)). Multifactorial studies have classified this variant as pathogenic (PMID: 17924331 (2007), 18951446 (2008), 21990134 (2012)). This variant has not been reported in large, multi-ethnic general populations (Genome Aggregation Database). Analysis of this variant using bioinformatics tools for the prediction of the effect of amino acid changes on protein structure and function yielded predictions that this variant is damaging. Based on the available information, this variant is classified as pathogenic.

Fulgent Genetics
Classification: Pathogenic for Familial cancer of breast; Medulloblastoma; Familial prostate cancer; Wilms tumor 1; Fanconi anemia complementation group D1; Breast-ovarian cancer, familial, susceptibility to, 2; Glioma susceptibility 3; Pancreatic cancer, susceptibility to, 2. Last evaluated: 2024-06-19. Review status: criteria provided, single submitter. Criteria: ACMG Guidelines, 2015. Collection method: clinical testing. Allele origin: germline. Not counted in ClinVar's aggregate classification.

Ambry Genetics
Classification: Pathogenic for Hereditary cancer-predisposing syndrome. Last evaluated: 2024-06-07. Review status: criteria provided, single submitter. Criteria: Ambry Variant Classification Scheme 2023. Collection method: clinical testing. Allele origin: germline. Not counted in ClinVar's aggregate classification.
Comment: The p.D2723G pathogenic mutation (also known as c.8168A>G), located in coding exon 17 of the BRCA2 gene, results from an A to G substitution at nucleotide position 8168. This alteration was shown to create an aberrant splice product (Walker LC et al. Hum. Mutat. 2010 Jun;31(6):E1484-505; Sanz DJ et al. Clin Cancer Res. 2010 Mar 15;16(6):1957-67; Thery JC et al. Eur J Hum Genet. 2011 Oct;19(10):1052-8; Houdayer C et al. Hum. Mutat. 2012 Aug;33(8):1228-38). In addition, in-vitro functional studies demonstrated reduced homologous recombination and increased centrosome amplification (Farrugia DJ et al. Cancer Res. 2008 May 1;68(9):3523-31; Walker LC et al. Hum. Mutat. 2010 Jun;31(6):E1484-505). Furthermore, this alteration could not complement the lethality of BRCA2-deficient mouse-embryonic stem (mES) cells (Hendriks G et al. Hum. Mutat. 2014 Nov;35(11):1382-91). This alteration has been classified as a pathogenic mutation based on a posterior probability model, which integrates evolutionary conservation and multifactorial analysis (including segregation, co-occurrence, family history, and tumor histology) (Easton D et al. Am J Hum Genet. 2007;81:873-883; Lindor NM et al. Hum. Mutat. 2012 Jan;33(1):8-21). Several other pathogenic alterations have also been reported at the same codon (p.D2723H, p.D2723A, p.D2723V) (Vallee M et al. Hum Mutat. 2012 Jan;33(1):22-8; Ambry internal data). This variant is considered to be rare based on population cohorts in the Genome Aggregation Database (gnomAD). Based on the available evidence, this alteration is classified as a pathogenic mutation.

Revvity Omics, Revvity
Classification: Pathogenic. Last evaluated: 2023-10-18. Review status: criteria provided, single submitter. Criteria: ACMG Guidelines, 2015. Collection method: clinical testing. Allele origin: germline. Not counted in ClinVar's aggregate classification.

Baylor Genetics
Classification: Pathogenic for Familial cancer of breast. Last evaluated: 2023-07-17. Review status: criteria provided, single submitter. Criteria: ACMG Guidelines, 2015. Collection method: clinical testing. Allele origin: unknown. Not counted in ClinVar's aggregate classification.

All of Us Research Program, National Institutes of Health
Classification: Pathogenic for Breast-ovarian cancer, familial, susceptibility to, 2. Last evaluated: 2023-07-11. Review status: criteria provided, single submitter. Criteria: ACMG Guidelines, 2015. Collection method: clinical testing. Allele origin: germline. Inheritance: Autosomal dominant inheritance. Observed: 1 variant allele, 1 heterozygote. Not counted in ClinVar's aggregate classification.
Comment: This missense variant replaces aspartic acid with glycine at codon 2723 in the DNA binding domain of the BRCA2 protein. Computational prediction suggests that this variant may have deleterious impact on protein structure and function (internally defined REVEL score threshold >= 0.7, PMID: 27666373). Functional studies have shown the mutant protein to exhibit a loss of homology-directed DNA repair function (PMID: 18451181, 20513136, 29394989, 33609447) and a failure to complement BRCA2-deficient mouse cells (PMID: 25146914). The mutant protein has shown inability to interact with its binding partner DSS1 and mislocalization to the cytoplasm instead of the nucleus (PMID: 33978741). In addition to resulting in defective protein function, this variant has been shown to create a new splice donor site that is partially used in mini-gene assays, resulting in the production of a mRNA species lacking 164 nucleotide of exon 18 (PMID: 20215541, 20513136, 21673748). Although a frameshift and premature truncation is predicted for this aberrant mRNA, this mRNA was produced at much lower levels than normal transcript (PMID: 21673748). This variant has been reported in individuals affected with breast cancer (PMID: 17924331, 20513136, 24052750, 25452441, 29088781, 29335924, 34906479; Color internal data). This variant has not been identified in the general population by the Genome Aggregation Database (gnomAD). A multifactorial likelihood analysis using personal and family health history and computational prediction has determined this variant to be deleterious (PMID: 17924331). Furthermore, different missense variants occurring at the same position, p.Asp2723His and p.Asp2723Val, are known to be disease-causing (ClinVar variation ID: 52515, 140975), indicating that aspartic acid at this position is important for BRCA2 function. Based on the available evidence, this variant is classified as Pathogenic.

This study involves interpretation of variants in research participants for the purpose of population health screening. Participant phenotype was not available at the time of variant classification. Additional details can be found in publication PMID: 35346344, PMCID: PMC8962531

GeneDx
Classification: Pathogenic. Last evaluated: 2022-05-23. Review status: criteria provided, single submitter. Criteria: GeneDx Variant Classification Process June 2021. Collection method: clinical testing. Allele origin: germline. Affected: yes. Not counted in ClinVar's aggregate classification.
Comment: RNA and minigene assays demonstrate abnormal splicing with the primary aberrant transcript resulting in a shortened protein product (Sanz 2010, Walker 2010, Thry 2011, Fraile-Bethencourt 2017); Observed in individuals with BRCA2-related cancers (Couch 2015, Jakimovska 2018, Fernandez-Lopez 2019, Momozawa 2019, Shimmura 2019); Published functional studies demonstrate a damaging effect: defective homologous recombination, centrosome amplification, and cell growth (Farrugia 2008, Walker 2010, Guidugli 2013, Hendriks 2014, Guidugli 2018, Mesman 2018, Hart 2019); Multifactorial studies suggest this variant is associated with breast and ovarian cancer (Lindor 2012); Not observed in large population cohorts (gnomAD); In silico analysis, which includes splice predictors and evolutionary conservation, suggests this variant may impact gene splicing.; In silico analysis supports that this missense variant does not alter protein structure/function; Also known as 8396A>G; This variant is associated with the following publications: (PMID: 22505045, 23348723, 19043619, 24323938, 18451181, 20513136, 25146914, 31214711, 30630528, 20215541, 24052750, 21673748, 25452441, 17924331, 25782689, 28339459, 29335924, 29988080, 29446198, 21990134, 29394989, 29884841, 12228710, 32295079, 31612916, 23108138)

Consortium of Investigators of Modifiers of BRCA1/2 (CIMBA), c/o University of Cambridge
Classification: Pathogenic for Breast-ovarian cancer, familial, susceptibility to, 2. Last evaluated: 2015-10-02. Review status: criteria provided, single submitter. Criteria: CIMBA Mutation Classification guidelines May 2016. Collection method: clinical testing. Allele origin: germline. Not counted in ClinVar's aggregate classification.

Laboratory for Genotyping Development, RIKEN
Classification: Pathogenic for Gastric cancer. Last evaluated: 2021-07-01. Review status: no assertion criteria provided. Collection method: research. Allele origin: germline. Not counted in ClinVar's aggregate classification.